The following is an entry in ClinVar:

ClinVar aggregate classification (germline): Uncertain significance (1 of 4 stars; one submission).

Allele frequency attached by ClinVar (database versions not stated): gnomAD exomes 0.00001; ExAC 0.00002.
gnomAD v4.1: 10 of 1,613,692 alleles (0.00062%); highest among the groups gnomAD compares: African/African-American, 0.004%; no homozygotes.

Submission:

Labcorp Genetics (formerly Invitae), Labcorp
Classification: Uncertain significance. Last evaluated: 2024-03-13. Review status: criteria provided, single submitter. Criteria: Invitae Variant Classification Sherloc (09022015). Collection method: clinical testing. Allele origin: germline.
Comment: This sequence change replaces proline, which is neutral and non-polar, with threonine, which is neutral and polar, at codon 1252 of the LTBP2 protein (p.Pro1252Thr). This variant is present in population databases (rs762914629, gnomAD 0.002%). This variant has not been reported in the literature in individuals affected with LTBP2-related conditions. ClinVar contains an entry for this variant (Variation ID: 2415117). An algorithm developed to predict the effect of missense changes on protein structure and function (PolyPhen-2) suggests that this variant is likely to be disruptive. In summary, the available evidence is currently insufficient to determine the role of this variant in disease. Therefore, it has been classified as a Variant of Uncertain Significance.

NM_000428.3(LTBP2):c.3754C>A (p.Pro1252Thr)

Gene: LTBP2 (latent transforming growth factor beta binding protein 2; minus strand). Cytogenetic location: 14q24.3.
Variant type: single nucleotide variant.
Coding change: c.3754C>A on transcript NM_000428.3 (MANE Select); coding-DNA position 3754, C replaced by A.
Protein change: p.Pro1252Thr; replaces proline 1252 with threonine.
Molecular consequence: missense variant.
Genome position (GRCh38, 1-based): chr14:74,507,994, G>T on the plus strand (C>A on the coding strand, the complement: LTBP2 is on the minus strand). VCF-style: chr14-74507994-G-T. GRCh37 (hg19) VCF-style: chr14-74974697-G-T.
Other names: short protein forms P1252T.
Identifiers: ClinVar variation 2415117 (VCV002415117.6), dbSNP rs762914629, ClinGen allele CA7269054.